The following is an entry in ClinVar:

NC_000001.10:g.(?_2160186)_(2238224_?)dup

Genes: SKI (SKI proto-oncogene; plus strand), LOC112577524 (P300/CBP strongly-dependent group 1 enhancer GRCh37_chr1:2186989-2188188; plus strand), LOC121967049 (Sharpr-MPRA regulatory region 2016; plus strand), LOC126805579 (CDK7 strongly-dependent group 2 enhancer GRCh37_chr1:2211723-2212922; plus strand), LOC129929177 (ATAC-STARR-seq lymphoblastoid active region 49; plus strand) and 4 more. Cytogenetic location: 1p36.33-36.32.
Variant type: Duplication.
Identifiers: ClinVar variation 584200 (VCV000584200.9).

ClinVar aggregate classification (germline): Uncertain significance (1 of 4 stars; one submission).

Conditions:
Shprintzen-Goldberg syndrome (SGS). Also called: SHPRINTZEN-GOLDBERG CRANIOSYNOSTOSIS SYNDROME; CRANIOSYNOSTOSIS WITH ARACHNODACTYLY AND ABDOMINAL HERNIAS; Marfanoid disorder with craniosynostosis type 1; Marfanoid craniosynostosis syndrome; Shprintzen-Goldberg marfanoid syndrome. Identifiers: Orphanet 2462, MedGen C1321551, MONDO:0008426, OMIM 182212.

Submission:

Labcorp Genetics (formerly Invitae), Labcorp
Classification: Uncertain significance for Shprintzen-Goldberg syndrome. Last evaluated: 2021-08-12. Review status: criteria provided, single submitter. Criteria: Invitae Variant Classification Sherloc (09022015). Collection method: clinical testing. Allele origin: germline.
Comment: A copy number gain of the genomic region encompassing the full coding sequence of the SKI gene has been identified. The boundaries of this event are unknown as they extend beyond the assayed region for this gene and therefore may encompass additional genes. As the precise location of this event is unknown, it may be in tandem or it may be located elsewhere in the genome. This variant has not been reported in the literature in individuals affected with SKI-related conditions. In summary, the available evidence is currently insufficient to determine the role of this variant in disease. Therefore, it has been classified as a Variant of Uncertain Significance.